The following is an entry in ClinVar:

ClinVar aggregate classification (germline): Uncertain significance (1 of 4 stars; one submission).

Conditions:
Neuropathy, hereditary sensory and autonomic, type 2A (HSAN2A). Also called: MORVAN DISEASE; NEUROPATHY, CONGENITAL SENSORY; NEUROPATHY, HEREDITARY SENSORY RADICULAR, AUTOSOMAL RECESSIVE; NEUROPATHY, HEREDITARY SENSORY, TYPE IIA; NEUROPATHY, PROGRESSIVE SENSORY, OF CHILDREN; WNK1-Related HSAN2 (HSAN2A). Identifiers: Orphanet 970, MedGen C2752089, MONDO:0024309, OMIM 201300.
Pseudohypoaldosteronism type 2C (PHA2C). Also called: Pseudohypoaldosteronism Type IIC. Identifiers: Orphanet 757, Orphanet 88940, MedGen C1840391, MONDO:0013778, OMIM 614492.

Submission:

Labcorp Genetics (formerly Invitae), Labcorp
Classification: Uncertain significance for Neuropathy, hereditary sensory and autonomic, type 2A; Pseudohypoaldosteronism type 2C. Last evaluated: 2019-05-24. Review status: criteria provided, single submitter. Criteria: Invitae Variant Classification Sherloc (09022015). Collection method: clinical testing. Allele origin: germline.
Comment: In summary, the available evidence is currently insufficient to determine the role of this variant in disease. Therefore, it has been classified as a Variant of Uncertain Significance. This sequence change affects codon 798 of the WNK1 mRNA. It is a 'silent' change, meaning that it does not change the encoded amino acid sequence of the WNK1 protein. The frequency data for this variant in the population databases is considered unreliable, as metrics indicate insufficient coverage at this position in the ExAC database. This variant has not been reported in the literature in individuals with WNK1-related conditions. Algorithms developed to predict the effect of sequence changes on RNA splicing suggest that this variant is not likely to affect RNA splicing, but this prediction has not been confirmed by published transcriptional studies.

NM_213655.5(WNK1):c.2394T>C (p.Thr798=)

Gene: WNK1 (WNK lysine deficient protein kinase 1; plus strand). Cytogenetic location: 12p13.33.
Variant type: single nucleotide variant.
Coding change: c.2394T>C on transcript NM_213655.5 (MANE Plus Clinical); coding-DNA position 2394, T replaced by C.
Protein change: p.Thr798=; no amino-acid change (threonine 798 retained).
Molecular consequence: synonymous variant. On other transcripts: intron variant (3).
Genome position (GRCh38, 1-based): chr12:865,364, T>C. VCF-style: chr12-865364-T-C. GRCh37 (hg19) VCF-style: chr12-974530-T-C.
Other names: c.2140-2502T>C (NM_001184985.2); c.2139+3094T>C (NM_018979.4, NM_014823.3).
Identifiers: ClinVar variation 936763 (VCV000936763.9), dbSNP rs1951577753, ClinGen allele CA1139662451.